The following is an entry in ClinVar:

ClinVar aggregate classification (germline): Benign/Likely benign. Review status: criteria provided, multiple submitters, no conflicts (2 of 4 stars). 2 submissions from 2 submitters: Benign (1); Likely benign (1). Last evaluated 2025-11-13.

Conditions:
ASXL3-related disorder. Also called: ASXL3-related condition. Identifiers: MedGen CN381524.

Allele frequency attached by ClinVar (database versions not stated): gnomAD 0.00007 and 0.00010; TOPMed 0.00007; ExAC 0.00020; 1000 Genomes Project 30x 0.00047; 1000 Genomes Project 0.00060.
gnomAD v4.1: 65 of 1,613,990 alleles (0.004%); highest among the groups gnomAD compares: East Asian, 0.13%; 1 homozygote.

Submissions (2):

PreventionGenetics, part of Exact Sciences
Classification: Likely benign for ASXL3-related condition. Last evaluated: 2025-11-13. Review status: criteria provided, single submitter. Criteria: ACMG Guidelines, 2015. Collection method: clinical testing. Allele origin: germline.
Comment: This variant is classified as likely benign based on ACMG/AMP sequence variant interpretation guidelines (Richards et al. 2015 PMID: 25741868, with internal and published modifications).

GeneDx
Classification: Benign. Last evaluated: 2020-03-27. Review status: criteria provided, single submitter. Criteria: GeneDx Variant Classification Process June 2021. Collection method: clinical testing. Allele origin: germline. Affected: yes.

NM_030632.3(ASXL3):c.2065A>C (p.Ile689Leu)

Gene: ASXL3 (ASXL transcriptional regulator 3; plus strand). Cytogenetic location: 18q12.1.
Variant type: single nucleotide variant.
Coding change: c.2065A>C on transcript NM_030632.3 (MANE Select); coding-DNA position 2065, A replaced by C.
Protein change: p.Ile689Leu; replaces isoleucine 689 with leucine.
Molecular consequence: missense variant.
Genome position (GRCh38, 1-based): chr18:33,739,469, A>C. VCF-style: chr18-33739469-A-C. GRCh37 (hg19) VCF-style: chr18-31319433-A-C.
Other names: c.2065A>C (NM_030632.2); short protein forms I689L.
Identifiers: ClinVar variation 1268991 (VCV001268991.2), dbSNP rs563644271, ClinGen allele CA8933862.
Genomic context (GRCh38, chr18:33,739,469, plus strand): 5'-GATGAAAACTTTCATGCATCTTTGATGTCAGAAATATCTCCAATATCCACTTCACCTGAA[A>C]TATCAGAAGCATCTCTTATGTCCAACTTACCATTAACATCTGAAGCATCACCAGTATCCA-3'
Protein context (NP_085135.1, residues 679-699): EISPISTSPE[Ile689Leu]SEASLMSNLP